The following is an entry in ClinVar:

NM_000455.5(STK11):c.299A>G (p.Gln100Arg)

Gene: STK11 (serine/threonine kinase 11; plus strand). Cytogenetic location: 19p13.3.
Variant type: single nucleotide variant.
Coding change: c.299A>G on transcript NM_000455.5 (MANE Select); coding-DNA position 299, A replaced by G.
Protein change: p.Gln100Arg; replaces glutamine 100 with arginine.
Molecular consequence: missense variant.
Genome position (GRCh38, 1-based): chr19:1,218,425, A>G. VCF-style: chr19-1218425-A-G. GRCh37 (hg19) VCF-style: chr19-1218424-A-G.
Other names: short protein forms Q100R.
Identifiers: ClinVar variation 403771 (VCV000403771.22), dbSNP rs1060499957, ClinGen allele CA16616221.

ClinVar aggregate classification (germline): Uncertain significance. Review status: criteria provided, multiple submitters, no conflicts (2 of 4 stars). 9 submissions from 9 submitters: Uncertain significance (9). Last evaluated 2024-12-05.

Conditions:
Melanoma, cutaneous malignant, susceptibility to, 1 (CMM1). Also called: B-K MOLE SYNDROME; DYSPLASTIC NEVUS SYNDROME, HEREDITARY; FAMILIAL ATYPICAL MOLE-MALIGNANT MELANOMA SYNDROME; MELANOMA, MALIGNANT. Identifiers: Orphanet 618, MedGen C1835047, MONDO:0007963, OMIM 155600.
Germ cell tumor of testis (TGCT). Also called: GERM CELL TUMOR, SOMATIC; Testicular germ cell tumor. Identifiers: Orphanet 363504, MedGen C1336708, MONDO:0010108, OMIM 273300.
Familial pancreatic carcinoma. Identifiers: Orphanet 1333, MedGen C2931038, MONDO:0015278, OMIM 260350.
Peutz-Jeghers syndrome (PJS). Also called: Peutz-Jeghers polyposis; Periorificial lentiginosis syndrome; POLYPOSIS, HAMARTOMATOUS INTESTINAL; POLYPS-AND-SPOTS SYNDROME. Identifiers: Orphanet 2869, MedGen C0031269, MeSH D010580, MONDO:0008280, OMIM 175200.
Hereditary cancer-predisposing syndrome. Also called: Tumor predisposition; Neoplastic Syndromes, Hereditary; Hereditary Cancer Syndrome; Hereditary neoplastic syndrome. Identifiers: Orphanet 140162, MedGen C0027672, MeSH D009386, MONDO:0015356.
Breast and/or ovarian cancer. Identifiers: MedGen CN221562.

Allele frequency attached by ClinVar (database versions not stated): gnomAD 0.00001; gnomAD exomes 0.00002; TOPMed 0.00002.
gnomAD v4.1: 29 of 1,613,400 alleles (0.0018%); highest among the groups gnomAD compares: Non-Finnish European, 0.0025%; no homozygotes.

Submissions (9):

Labcorp Genetics (formerly Invitae), Labcorp
Classification: Uncertain significance for Peutz-Jeghers syndrome. Last evaluated: 2024-12-05. Review status: criteria provided, single submitter. Criteria: Invitae Variant Classification Sherloc (09022015). Collection method: clinical testing. Allele origin: germline.
Comment: This sequence change replaces glutamine, which is neutral and polar, with arginine, which is basic and polar, at codon 100 of the STK11 protein (p.Gln100Arg). This variant is present in population databases (no rsID available, gnomAD 0.007%). This variant has not been reported in the literature in individuals affected with STK11-related conditions. ClinVar contains an entry for this variant (Variation ID: 403771). Invitae Evidence Modeling of protein sequence and biophysical properties (such as structural, functional, and spatial information, amino acid conservation, physicochemical variation, residue mobility, and thermodynamic stability) indicates that this missense variant is not expected to disrupt STK11 protein function with a negative predictive value of 95%. In summary, the available evidence is currently insufficient to determine the role of this variant in disease. Therefore, it has been classified as a Variant of Uncertain Significance.

All of Us Research Program, National Institutes of Health
Classification: Uncertain significance for Peutz-Jeghers syndrome. Last evaluated: 2024-08-30. Review status: criteria provided, single submitter. Criteria: ACMG Guidelines, 2015. Collection method: clinical testing. Allele origin: germline. Inheritance: Autosomal dominant inheritance. Observed: 4 variant alleles, 4 heterozygotes.
Comment: This missense variant replaces glutamine with arginine at codon 100 of the STK11 protein. Computational prediction suggests that this variant may not impact protein structure and function (internally defined REVEL score threshold <= 0.5, PMID: 27666373). To our knowledge, functional studies have not been reported for this variant. This variant has not been reported in individuals affected with STK11-related disorders in the literature. This variant has been identified in 1/31374 chromosomes in the general population by the Genome Aggregation Database (gnomAD). The available evidence is insufficient to determine the role of this variant in disease conclusively. Therefore, this variant is classified as a Variant of Uncertain Significance.

This study involves interpretation of variants in research participants for the purpose of population health screening. Participant phenotype was not available at the time of variant classification. Additional details can be found in publication PMID: 35346344, PMCID: PMC8962531

Color Diagnostics, LLC DBA Color Health
Classification: Uncertain significance for Hereditary cancer-predisposing syndrome. Last evaluated: 2024-04-10. Review status: criteria provided, single submitter. Criteria: ACMG Guidelines, 2015. Collection method: clinical testing. Allele origin: germline.
Comment: This missense variant replaces glutamine with arginine at codon 100 of the STK11 protein. Computational prediction suggests that this variant may not impact protein structure and function. To our knowledge, functional studies have not been reported for this variant. This variant has not been reported in individuals affected with STK11-related disorders in the literature. This variant has been identified in 1/31374 chromosomes in the general population by the Genome Aggregation Database (gnomAD). The available evidence is insufficient to determine the role of this variant in disease conclusively. Therefore, this variant is classified as a Variant of Uncertain Significance.

Ambry Genetics
Classification: Uncertain significance for Hereditary cancer-predisposing syndrome. Last evaluated: 2024-02-22. Review status: criteria provided, single submitter. Criteria: Ambry Variant Classification Scheme 2023. Collection method: clinical testing. Allele origin: germline.
Comment: The p.Q100R variant (also known as c.299A>G), located in coding exon 2 of the STK11 gene, results from an A to G substitution at nucleotide position 299. The glutamine at codon 100 is replaced by arginine, an amino acid with highly similar properties. This amino acid position is highly conserved in available vertebrate species. In addition, the in silico prediction for this alteration is inconclusive. Since supporting evidence is limited at this time, the clinical significance of this alteration remains unclear.

Fulgent Genetics
Classification: Uncertain significance for Melanoma, cutaneous malignant, susceptibility to, 1; Peutz-Jeghers syndrome; Familial pancreatic carcinoma; Germ cell tumor of testis. Last evaluated: 2024-02-14. Review status: criteria provided, single submitter. Criteria: ACMG Guidelines, 2015. Collection method: clinical testing. Allele origin: germline.

Baylor Genetics
Classification: Uncertain significance for Melanoma, cutaneous malignant, susceptibility to, 1. Last evaluated: 2023-07-13. Review status: criteria provided, single submitter. Criteria: ACMG Guidelines, 2015. Collection method: clinical testing. Allele origin: unknown.

Genome-Nilou Lab
Classification: Uncertain significance for Peutz-Jeghers syndrome. Last evaluated: 2021-07-15. Review status: criteria provided, single submitter. Criteria: ACMG Guidelines, 2015. Collection method: clinical testing. Allele origin: germline. Affected: no.

CHEO Genetics Diagnostic Laboratory, Children's Hospital of Eastern Ontario
Classification: Uncertain significance for Breast and/or ovarian cancer. Last evaluated: 2021-02-27. Review status: criteria provided, single submitter. Criteria: ACMG Guidelines, 2015. Collection method: clinical testing. Allele origin: germline.

Women's Health and Genetics/Laboratory Corporation of America, LabCorp
Classification: Uncertain significance. Last evaluated: 2021-02-05. Review status: criteria provided, single submitter. Criteria: LabCorp Variant Classification Summary - May 2015. Collection method: clinical testing. Allele origin: germline.
Comment: Variant summary: STK11 c.299A>G (p.Gln100Arg) results in a conservative amino acid change in the encoded protein sequence. Four of five in-silico tools predict a benign effect of the variant on protein function. The variant was absent in 249120 control chromosomes. The available data on variant occurrences in the general population are insufficient to allow any conclusion about variant significance. To our knowledge, no occurrence of c.299A>G in individuals affected with Peutz-Jeghers Syndrome and no experimental evidence demonstrating its impact on protein function have been reported. Two clinical diagnostic laboratories have submitted clinical-significance assessments for this variant to ClinVar after 2014 without evidence for independent evaluation. Both laboratories classified the variant as uncertain significance. Based on the evidence outlined above, the variant was classified as uncertain significance.